The following is an entry in ClinVar:

NM_001130987.2(DYSF):c.1834_1835del (p.Leu612fs)

Gene: DYSF (dysferlin; plus strand). Cytogenetic location: 2p13.2.
Variant type: Deletion.
Coding change: c.1834_1835del on transcript NM_001130987.2 (MANE Select); coding-DNA positions 1834 to 1835, 2 bases deleted (CT; older notation c.1834_1835delCT).
Protein change: p.Leu612fs; shifts the reading frame from leucine 612.
Molecular consequence: frameshift variant.
Genome position (GRCh38, 1-based): chr2:71,553,038-71,553,039, CT deleted. VCF-style (leftmost placement, unchanged base first): chr2-71553037-CCT-C. GRCh37 (hg19) VCF-style: chr2-71780167-CCT-C.
Other names: c.1783_1784del, p.Leu595fs (NM_001130455.2, NM_001130983.2); c.1738_1739del, p.Leu580fs (NM_001130976.2, NM_001130977.2); c.1780_1781del, p.Leu594fs (NM_001130978.2, NM_003494.4); c.1873_1874del, p.Leu625fs (NM_001130979.2); c.1831_1832del, p.Leu611fs (NM_001130980.2, NM_001130981.2); c.1876_1877del, p.Leu626fs (NM_001130982.2); c.1741_1742del, p.Leu581fs (NM_001130984.2, NM_001130986.2); c.1834_1835del, p.Leu612fs (NM_001130985.2); short protein forms L594fs, L581fs, L580fs, L595fs, L612fs, L611fs, L625fs, L626fs.
Identifiers: ClinVar variation 579639 (VCV000579639.6), dbSNP rs1559141367, ClinGen allele CA891842854.

ClinVar aggregate classification (germline): Pathogenic (1 of 4 stars; one submission).

Conditions:
Neuromuscular disease caused by qualitative or quantitative defects of dysferlin. Also called: Qualitative or quantitative defects of dysferlin; Dysferlinopathy. Identifiers: Orphanet 207073, MedGen C2931687, MONDO:0016145.

Submission:

Labcorp Genetics (formerly Invitae), Labcorp
Classification: Pathogenic for Neuromuscular disease caused by qualitative or quantitative defects of dysferlin. Last evaluated: 2023-12-21. Review status: criteria provided, single submitter. Criteria: Invitae Variant Classification Sherloc (09022015). Collection method: clinical testing. Allele origin: germline.
Comment: This sequence change creates a premature translational stop signal (p.Leu594Valfs*15) in the DYSF gene. It is expected to result in an absent or disrupted protein product. Loss-of-function variants in DYSF are known to be pathogenic (PMID: 17698709, 20301480). This variant is not present in population databases (gnomAD no frequency). This variant has not been reported in the literature in individuals affected with DYSF-related conditions. ClinVar contains an entry for this variant (Variation ID: 579639). For these reasons, this variant has been classified as Pathogenic.

Literature cited by the submitters: PubMed 17698709; PubMed 20301480.